The following is an entry in ClinVar:

ClinVar aggregate classification (germline): Likely pathogenic (1 of 4 stars; one submission).

Conditions:
Alstrom syndrome (ALMS). Identifiers: Orphanet 64, MedGen C0268425, MONDO:0008763, OMIM 203800.

Submission:

Myriad Genetics, Inc.
Classification: Likely pathogenic for Alstrom syndrome. Last evaluated: 2022-02-20. Review status: criteria provided, single submitter. Criteria: Myriad Women's Health Autosomal Recessive and X-Linked Classification Criteria (2021). Collection method: clinical testing. Allele origin: unknown.
Comment: NM_015120.4(ALMS1):c.6208A>T(K2070*) is expected to be pathogenic in the context of Alstrom syndrome. This variant is predicted to lead to an abnormal or absent protein product due to the creation of a premature termination codon in ALMS1, a gene where loss-of-function variants are known to be pathogenic. Please note: this variant was assessed in the context of healthy population screening.

NM_001378454.1(ALMS1):c.6205A>T (p.Lys2069Ter)

Gene: ALMS1 (ALMS1 centrosome and basal body associated protein; plus strand). Cytogenetic location: 2p13.1.
Variant type: single nucleotide variant.
Coding change: c.6205A>T on transcript NM_001378454.1 (MANE Select); coding-DNA position 6205, A replaced by T.
Protein change: p.Lys2069Ter; replaces lysine 2069 with a stop codon.
Molecular consequence: nonsense.
Genome position (GRCh38, 1-based): chr2:73,452,732, A>T. VCF-style: chr2-73452732-A-T. GRCh37 (hg19) VCF-style: chr2-73679859-A-T.
Other names: c.6208A>T, p.Lys2070Ter (NM_015120.4); short protein forms K2069*, K2070*.
Identifiers: ClinVar variation 1724581 (VCV001724581.2), dbSNP rs2466108287, ClinGen allele CA347285284.
Genomic context (GRCh38, chr2:73,452,732, plus strand): 5'-TCTCAAACAGTAAAGCCCAATATTTTATTTCAACAGCAGTTGCCAGATAGAGATCAAAGT[A>T]AAGGTATTCTAAAGATTTCAGCTGTCCCTGAACTAACTGATGTGAATACTGGAAAACCAG-3'